The following is an entry in ClinVar:

NM_000059.4(BRCA2):c.9445A>G (p.Ser3149Gly)

Gene: BRCA2 (BRCA2 DNA repair associated; plus strand). Cytogenetic location: 13q13.1.
Variant type: single nucleotide variant.
Coding change: c.9445A>G on transcript NM_000059.4 (MANE Select); coding-DNA position 9445, A replaced by G.
Protein change: p.Ser3149Gly; replaces serine 3149 with glycine.
Molecular consequence: missense variant.
Genome position (GRCh38, 1-based): chr13:32,394,877, A>G. VCF-style: chr13-32394877-A-G. GRCh37 (hg19) VCF-style: chr13-32969014-A-G.
Other names: short protein forms S3149G.
Identifiers: ClinVar variation 842861 (VCV000842861.12), dbSNP rs2073024554, ClinGen allele CA387761604.

ClinVar aggregate classification (germline): Uncertain significance. Review status: criteria provided, multiple submitters, no conflicts (2 of 4 stars). 3 submissions from 3 submitters: Uncertain significance (3). Last evaluated 2025-07-25.

Conditions:
Hereditary breast ovarian cancer syndrome. Also called: Breast and ovarian cancer; Hereditary breast and ovarian cancer syndrome; Hereditary breast and ovarian cancer syndrome (HBOC); BRCA1- and BRCA2-Associated Hereditary Breast and Ovarian Cancer; Hereditary breast and ovarian cancer; Hereditary breast and/or ovarian cancer syndrome. Identifiers: Orphanet 145, MedGen C0677776, MeSH D061325, MONDO:0003582. Disease mechanism: loss of function.
Hereditary cancer-predisposing syndrome. Also called: Hereditary Cancer Syndrome; Hereditary neoplastic syndrome; Tumor predisposition; Neoplastic Syndromes, Hereditary. Identifiers: Orphanet 140162, MedGen C0027672, MeSH D009386, MONDO:0015356.

Submissions (3):

Color Diagnostics, LLC DBA Color Health
Classification: Uncertain significance for Hereditary cancer-predisposing syndrome. Last evaluated: 2025-07-25. Review status: criteria provided, single submitter. Criteria: ACMG Guidelines, 2015. Collection method: clinical testing. Allele origin: germline.
Comment: This missense variant replaces serine with glycine at codon 3149 of the BRCA2 protein. Computational prediction is inconclusive regarding the impact of this variant on protein structure and function. To our knowledge, functional studies have not been reported for this variant. This variant has not been reported in individuals affected with BRCA2-related disorders in the literature. This variant has not been identified in the general population by the Genome Aggregation Database (gnomAD). The available evidence is insufficient to determine the role of this variant in disease conclusively. Therefore, this variant is classified as a Variant of Uncertain Significance.

Ambry Genetics
Classification: Uncertain significance for Hereditary cancer-predisposing syndrome. Last evaluated: 2021-08-21. Review status: criteria provided, single submitter. Criteria: Ambry Variant Classification Scheme 2023. Collection method: clinical testing. Allele origin: germline.
Comment: The p.S3149G variant (also known as c.9445A>G), located in coding exon 24 of the BRCA2 gene, results from an A to G substitution at nucleotide position 9445. The serine at codon 3149 is replaced by glycine, an amino acid with similar properties. This amino acid position is conserved. In addition, the in silico prediction for this alteration is inconclusive. Since supporting evidence is limited at this time, the clinical significance of this alteration remains unclear.

Labcorp Genetics (formerly Invitae), Labcorp
Classification: Uncertain significance for Hereditary breast ovarian cancer syndrome. Last evaluated: 2019-11-18. Review status: criteria provided, single submitter. Criteria: Invitae Variant Classification Sherloc (09022015). Collection method: clinical testing. Allele origin: germline.
Comment: This variant is not present in population databases (ExAC no frequency). This sequence change replaces serine with glycine at codon 3149 of the BRCA2 protein (p.Ser3149Gly). The serine residue is moderately conserved and there is a small physicochemical difference between serine and glycine. This variant has not been reported in the literature in individuals with BRCA2-related conditions. In summary, the available evidence is currently insufficient to determine the role of this variant in disease. Therefore, it has been classified as a Variant of Uncertain Significance. Algorithms developed to predict the effect of missense changes on protein structure and function (SIFT, PolyPhen-2, Align-GVGD) all suggest that this variant is likely to be tolerated, but these predictions have not been confirmed by published functional studies and their clinical significance is uncertain.